The following is an entry in ClinVar:

NM_001365480.1(CCDC88A):c.5303G>A (p.Ser1768Asn)

Gene: CCDC88A (coiled-coil domain containing 88A; minus strand). Cytogenetic location: 2p16.1.
Variant type: single nucleotide variant.
Coding change: c.5303G>A on transcript NM_001365480.1 (MANE Select); coding-DNA position 5303, G replaced by A.
Protein change: p.Ser1768Asn; replaces serine 1768 with asparagine.
Molecular consequence: missense variant. On other transcripts: intron variant (1).
Genome position (GRCh38, 1-based): chr2:55,295,845, C>T on the plus strand (G>A on the coding strand, the complement: CCDC88A is on the minus strand). VCF-style: chr2-55295845-C-T. GRCh37 (hg19) VCF-style: chr2-55522981-C-T.
Other names: c.5300G>A, p.Ser1767Asn (NM_001135597.2); c.5219G>A, p.Ser1740Asn (NM_018084.5); c.5195+105G>A (NM_001254943.2); short protein forms S1768N, S1767N, S1740N.
Identifiers: ClinVar variation 1904603 (VCV001904603.2), dbSNP rs769591926, ClinGen allele CA1665347.

ClinVar aggregate classification (germline): Uncertain significance (1 of 4 stars; one submission).

Allele frequency attached by ClinVar (database versions not stated): gnomAD exomes 0.00001; ExAC 0.00002.
gnomAD v4.1: 14 of 1,613,944 alleles (0.00087%); highest among the groups gnomAD compares: Middle Eastern, 0.016%; no homozygotes.

Submission:

Labcorp Genetics (formerly Invitae), Labcorp
Classification: Uncertain significance. Last evaluated: 2022-07-25. Review status: criteria provided, single submitter. Criteria: Invitae Variant Classification Sherloc (09022015). Collection method: clinical testing. Allele origin: germline.
Comment: This sequence change replaces serine, which is neutral and polar, with asparagine, which is neutral and polar, at codon 1767 of the CCDC88A protein (p.Ser1767Asn). This variant is present in population databases (rs769591926, gnomAD 0.003%). This variant has not been reported in the literature in individuals affected with CCDC88A-related conditions. Algorithms developed to predict the effect of missense changes on protein structure and function are either unavailable or do not agree on the potential impact of this missense change (SIFT: "Deleterious"; PolyPhen-2: "Benign"; Align-GVGD: "Class C0"). In summary, the available evidence is currently insufficient to determine the role of this variant in disease. Therefore, it has been classified as a Variant of Uncertain Significance.